The following is an entry in ClinVar:

NM_000038.6(APC):c.1832G>A (p.Gly611Asp)

Gene: APC (APC regulator of Wnt signaling pathway; plus strand). Cytogenetic location: 5q22.2.
Variant type: single nucleotide variant.
Coding change: c.1832G>A on transcript NM_000038.6 (MANE Select); coding-DNA position 1832, G replaced by A.
Protein change: p.Gly611Asp; replaces glycine 611 with aspartic acid.
Molecular consequence: missense variant. On other transcripts: non-coding transcript variant (2).
Genome position (GRCh38, 1-based): chr5:112,835,039, G>A. VCF-style: chr5-112835039-G-A. GRCh37 (hg19) VCF-style: chr5-112170736-G-A.
Other names: c.1583G>A, p.Gly528Asp (NM_001407456.1, NM_001407457.1, NM_001407454.1 and 1 more transcripts); c.1529G>A, p.Gly510Asp (NM_001407458.1, NM_001407459.1, NM_001407460.1 and 1 more transcripts); c.1445G>A, p.Gly482Asp (NM_001407467.1, NM_001407469.1); c.983G>A, p.Gly328Asp (NM_001407470.1, NM_001354906.2); c.680G>A, p.Gly227Asp (NM_001407471.1, NM_001407472.1); c.1832G>A, p.Gly611Asp (NM_001127510.3, NM_001354895.2, NM_001407450.1); c.1778G>A, p.Gly593Asp (NM_001127511.3); c.1886G>A, p.Gly629Asp (NM_001354896.2, NM_001407447.1, NM_001407448.1 and 1 more transcripts); and 11 more; short protein forms G227D, G328D, G485D, G510D, G570D, G583D, G586D, G601D.
Identifiers: ClinVar variation 3572134 (VCV003572134.2).
Genomic context (GRCh38, chr5:112,835,039, plus strand): 5'-CCTTATGGAATTTGTCAGCACATTGCACTGAGAATAAAGCTGATATATGTGCTGTAGATG[G>A]TGCACTTGCATTTTTGGTTGGCACTCTTACTTACCGGAGCCAGACAAACACTTTAGCCAT-3'
Protein context (NP_000029.2, residues 601-621): ENKADICAVD[Gly611Asp]ALAFLVGTLT

ClinVar aggregate classification (germline): Uncertain significance. Review status: criteria provided, multiple submitters, no conflicts (2 of 4 stars). 2 submissions from 2 submitters: Uncertain significance (2). Last evaluated 2024-12-16.

Conditions:
Hereditary cancer-predisposing syndrome. Also called: Hereditary Cancer Syndrome; Hereditary neoplastic syndrome; Tumor predisposition; Neoplastic Syndromes, Hereditary. Identifiers: Orphanet 140162, MedGen C0027672, MeSH D009386, MONDO:0015356.

Submissions (2):

Color Diagnostics, LLC DBA Color Health
Classification: Uncertain significance for Hereditary cancer-predisposing syndrome. Last evaluated: 2024-12-16. Review status: criteria provided, single submitter. Criteria: ACMG Guidelines, 2015. Collection method: clinical testing. Allele origin: germline.
Comment: This missense variant replaces glycine with aspartic acid at codon 611 of the APC protein. Computational prediction is inconclusive regarding the impact of this variant on protein structure and function (internally defined REVEL score threshold 0.5 < inconclusive < 0.7, PMID: 27666373). To our knowledge, functional studies have not been reported for this variant. This variant has not been reported in individuals affected with APC-related disorders in the literature. This variant has not been identified in the general population by the Genome Aggregation Database (gnomAD). The available evidence is insufficient to determine the role of this variant in disease conclusively. Therefore, this variant is classified as a Variant of Uncertain Significance.

Quest Diagnostics Nichols Institute San Juan Capistrano
Classification: Uncertain significance. Last evaluated: 2024-10-09. Review status: criteria provided, single submitter. Criteria: Quest Diagnostics criteria. Collection method: clinical testing. Allele origin: unknown.
Comment: The APC c.1832G>A (p.Gly611Asp) variant has not been reported in individuals with APC-related conditions in the published literature. It also has not been reported in large, multi-ethnic general populations (Genome Aggregation Database). Analysis of this variant using bioinformatics tools for the prediction of the effect of amino acid changes on protein structure and function yielded predictions that this variant is damaging. Based on the available information, we are unable to determine the clinical significance of this variant.